The following is an entry in ClinVar:

ClinVar aggregate classification (germline): Uncertain significance (1 of 4 stars; one submission).

Conditions:
Citrullinemia. Identifiers: Orphanet 187, MedGen C0175683, MONDO:0015991.

Submission:

Labcorp Genetics (formerly Invitae), Labcorp
Classification: Uncertain significance for Citrullinemia. Last evaluated: 2024-10-15. Review status: criteria provided, single submitter. Criteria: Invitae Variant Classification Sherloc (09022015). Collection method: clinical testing. Allele origin: germline.
Comment: This sequence change replaces tyrosine, which is neutral and polar, with histidine, which is basic and polar, at codon 291 of the ASS1 protein (p.Tyr291His). This variant is not present in population databases (gnomAD no frequency). This variant has not been reported in the literature in individuals affected with ASS1-related conditions. ClinVar contains an entry for this variant (Variation ID: 1937508). Invitae Evidence Modeling of protein sequence and biophysical properties (such as structural, functional, and spatial information, amino acid conservation, physicochemical variation, residue mobility, and thermodynamic stability) indicates that this missense variant is not expected to disrupt ASS1 protein function with a negative predictive value of 80%. In summary, the available evidence is currently insufficient to determine the role of this variant in disease. Therefore, it has been classified as a Variant of Uncertain Significance.

NM_054012.4(ASS1):c.871T>C (p.Tyr291His)

Gene: ASS1 (argininosuccinate synthase 1; plus strand). Cytogenetic location: 9q34.11.
Variant type: single nucleotide variant.
Coding change: c.871T>C on transcript NM_054012.4 (MANE Select); coding-DNA position 871, T replaced by C.
Protein change: p.Tyr291His; replaces tyrosine 291 with histidine.
Molecular consequence: missense variant.
Genome position (GRCh38, 1-based): chr9:130,489,365, T>C. VCF-style: chr9-130489365-T-C. GRCh37 (hg19) VCF-style: chr9-133364752-T-C.
Other names: c.871T>C, p.Tyr291His (NM_000050.4); short protein forms Y291H.
Identifiers: ClinVar variation 1937508 (VCV001937508.5), dbSNP rs2490610504, ClinGen allele CA375230508.
Genomic context (GRCh38, chr9:130,489,365, plus strand): 5'-TTTTCCCCCTGCCTGGAAAAATGGCTAGGTATCTACGAGACCCCAGCAGGCACCATCCTT[T>C]ACCATGCTCATTTAGACATCGAGGCCTTCACCATGGACCGGGAAGTGCGCAAAATCAAAC-3'
Protein context (NP_446464.1, residues 281-301): IYETPAGTIL[Tyr291His]HAHLDIEAFT